The following is an entry in ClinVar:

NM_024529.5(CDC73):c.1073G>C (p.Arg358Pro)

Gene: CDC73 (cell division cycle 73; plus strand). Cytogenetic location: 1q31.2.
Variant type: single nucleotide variant.
Coding change: c.1073G>C on transcript NM_024529.5 (MANE Select); coding-DNA position 1073, G replaced by C.
Protein change: p.Arg358Pro; replaces arginine 358 with proline.
Molecular consequence: missense variant.
Genome position (GRCh38, 1-based): chr1:193,212,396, G>C. VCF-style: chr1-193212396-G-C. GRCh37 (hg19) VCF-style: chr1-193181526-G-C.
Other names: short protein forms R358P.
Identifiers: ClinVar variation 3488500 (VCV003488500.1).

ClinVar aggregate classification (germline): Uncertain significance (1 of 4 stars; one submission).

Conditions:
Hereditary cancer-predisposing syndrome. Also called: Tumor predisposition; Neoplastic Syndromes, Hereditary; Hereditary Cancer Syndrome; Hereditary neoplastic syndrome. Identifiers: Orphanet 140162, MedGen C0027672, MeSH D009386, MONDO:0015356.

gnomAD v4.1: 1 of 1,593,192 alleles (0.000063%); highest among the groups gnomAD compares: Non-Finnish European, 0.000086%; no homozygotes.

Submission:

Ambry Genetics
Classification: Uncertain significance for Hereditary cancer-predisposing syndrome. Last evaluated: 2024-07-01. Review status: criteria provided, single submitter. Criteria: Ambry Variant Classification Scheme 2023. Collection method: clinical testing. Allele origin: germline.
Comment: The p.R358P variant (also known as c.1073G>C), located in coding exon 13 of the CDC73 gene, results from a G to C substitution at nucleotide position 1073. The arginine at codon 358 is replaced by proline, an amino acid with dissimilar properties. This amino acid position is conserved. In addition, the in silico prediction for this alteration is inconclusive. Based on the available evidence, the clinical significance of this variant remains unclear.